The following is an entry in ClinVar:

NM_000094.4(COL7A1):c.7023+1G>A

Gene: COL7A1 (collagen type VII alpha 1 chain; minus strand). Cytogenetic location: 3p21.31.
Variant type: single nucleotide variant.
Coding change: c.7023+1G>A on transcript NM_000094.4 (MANE Select); the canonical splice donor site of the intron after coding-DNA position 7023, G replaced by A.
Molecular consequence: splice donor variant.
Genome position (GRCh38, 1-based): chr3:48,572,126, C>T on the plus strand (G>A on the coding strand, the complement: COL7A1 is on the minus strand). VCF-style: chr3-48572126-C-T. GRCh37 (hg19) VCF-style: chr3-48609559-C-T.
Identifiers: ClinVar variation 945563 (VCV000945563.8), dbSNP rs2043966286, ClinGen allele CA352652298.

ClinVar aggregate classification (germline): Pathogenic/Likely pathogenic. Review status: criteria provided, multiple submitters, no conflicts (2 of 4 stars). 2 submissions from 2 submitters: Pathogenic (1); Likely pathogenic (1). Last evaluated 2024-07-17.

Conditions:
Epidermolysis bullosa dystrophica. Also called: Dystrophic epidermolysis bullosa; Dystrophic epidermolysis bullosa, Hallopeau-Siemens type (formerly). Identifiers: Orphanet 303, MedGen C0079294, MONDO:0006543.

gnomAD v4.1: 4 of 1,614,082 alleles (0.00025%); highest among the groups gnomAD compares: Non-Finnish European, 0.00034%; no homozygotes.

Submissions (2):

Natera, Inc.
Classification: Likely pathogenic for Dystrophic epidermolysis bullosa. Last evaluated: 2024-07-17. Review status: criteria provided, single submitter. Criteria: Natera Variant Classification Schema (03/2026). Collection method: clinical testing. Allele origin: germline.
Comment: The c.7023+1G>A variant in COL7A1 is a canonical splice donor site variant predicted to affect pre-mRNA splicing, which may result in an abnormal transcript and altered protein product. This variant may result in a truncated or dysfunctional protein product. This variant is rare in the general population with a frequency below the threshold expected for the associated phenotype(s). This variant has been observed in one or more individuals affected with the associated recessive disease, as either homozygous or compound heterozygous with a second variant (PMID: 25913354). Given the available evidence, this variant is classified as Likely Pathogenic.

Labcorp Genetics (formerly Invitae), Labcorp
Classification: Pathogenic. Last evaluated: 2019-05-17. Review status: criteria provided, single submitter. Criteria: Invitae Variant Classification Sherloc (09022015). Collection method: clinical testing. Allele origin: germline.
Comment: For these reasons, this variant has been classified as Pathogenic. Donor and acceptor splice site variants typically lead to a loss of protein function (PMID: 16199547), and loss-of-function variants in COL7A1 are known to be pathogenic (PMID: 16971478). Algorithms developed to predict the effect of sequence changes on RNA splicing suggest that this variant may disrupt the consensus splice site, but this prediction has not been confirmed by published transcriptional studies. This variant has been observed in individual(s) with clinical features of epidermolysis bullosa (PMID: 25913354). In at least one individual the data is consistent with the variant being in trans (on the opposite chromosome) from a pathogenic variant. This variant is not present in population databases (ExAC no frequency). This sequence change affects a donor splice site in intron 90 of the COL7A1 gene. It is expected to disrupt RNA splicing and likely results in an absent or disrupted protein product.

Literature cited by the submitters: PubMed 25913354 (cited by Natera, Inc. and Labcorp Genetics (formerly Invitae), Labcorp); PubMed 16199547 (cited by Labcorp Genetics (formerly Invitae), Labcorp); PubMed 16971478 (cited by Labcorp Genetics (formerly Invitae), Labcorp).